The following is an entry in ClinVar:

NM_144997.7(FLCN):c.1438C>T (p.Pro480Ser)

Gene: FLCN (folliculin; minus strand). Cytogenetic location: 17p11.2.
Variant type: single nucleotide variant.
Coding change: c.1438C>T on transcript NM_144997.7 (MANE Select); coding-DNA position 1438, C replaced by T.
Protein change: p.Pro480Ser; replaces proline 480 with serine.
Molecular consequence: missense variant.
Genome position (GRCh38, 1-based): chr17:17,215,085, G>A on the plus strand (C>T on the coding strand, the complement: FLCN is on the minus strand). VCF-style: chr17-17215085-G-A. GRCh37 (hg19) VCF-style: chr17-17118399-G-A.
Other names: c.1492C>T, p.Pro498Ser (NM_001353229.2); c.1438C>T, p.Pro480Ser (NM_001353230.2, NM_001353231.2); short protein forms P498S, P480S.
Identifiers: ClinVar variation 2910496 (VCV002910496.3), dbSNP rs2544142802, ClinGen allele CA398531023.

ClinVar aggregate classification (germline): Uncertain significance (1 of 4 stars; one submission).

Conditions:
Birt-Hogg-Dube syndrome. Also called: Birt Hogg Dubé syndrome. Identifiers: Orphanet 122, MedGen C0346010, MONDO:0800444.

Submission:

Labcorp Genetics (formerly Invitae), Labcorp
Classification: Uncertain significance for Birt-Hogg-Dube syndrome. Last evaluated: 2023-10-29. Review status: criteria provided, single submitter. Criteria: Invitae Variant Classification Sherloc (09022015). Collection method: clinical testing. Allele origin: germline.
Comment: This sequence change replaces proline, which is neutral and non-polar, with serine, which is neutral and polar, at codon 480 of the FLCN protein (p.Pro480Ser). This variant is not present in population databases (gnomAD no frequency). This variant has not been reported in the literature in individuals affected with FLCN-related conditions. Advanced modeling of protein sequence and biophysical properties (such as structural, functional, and spatial information, amino acid conservation, physicochemical variation, residue mobility, and thermodynamic stability) performed at Invitae indicates that this missense variant is not expected to disrupt FLCN protein function with a negative predictive value of 80%. In summary, the available evidence is currently insufficient to determine the role of this variant in disease. Therefore, it has been classified as a Variant of Uncertain Significance.